The following is an entry in ClinVar:

ClinVar aggregate classification (germline): Uncertain significance. Review status: criteria provided, multiple submitters, no conflicts (2 of 4 stars). 4 submissions from 4 submitters: Uncertain significance (4). Last evaluated 2026-09-09.

Conditions:
Cardiovascular phenotype. Identifiers: MedGen CN230736.
Cardiomyopathy (CMYO). Also called: Cardiomyopathies. Identifiers: Orphanet 167848, MedGen C0878544, MONDO:0004994, HP:0001638. Inheritance: Various modes of inheritance.
Catecholaminergic polymorphic ventricular tachycardia 1. Also called: RYR2-Related Catecholaminergic Polymorphic Ventricular Tachycardia; VENTRICULAR TACHYCARDIA, STRESS-INDUCED POLYMORPHIC 1; VENTRICULAR TACHYCARDIA, CATECHOLAMINERGIC POLYMORPHIC, 1, WITH OR WITHOUT ATRIAL DYSFUNCTION AND/OR DILATED CARDIOMYOPATHY. Identifiers: Orphanet 3286, MedGen C1631597, MONDO:0011484, OMIM 604772.

Allele frequency attached by ClinVar (database versions not stated): gnomAD exomes below 0.00001.
gnomAD v4.1: 3 of 1,613,634 alleles (0.00019%); highest among the groups gnomAD compares: Non-Finnish European, 0.00017%; no homozygotes.

Submissions (4):

Ambry Genetics
Classification: Uncertain significance for Cardiovascular phenotype. Last evaluated: 2026-09-09. Review status: criteria provided, single submitter. Criteria: Ambry Variant Classification Scheme 2023. Collection method: clinical testing. Allele origin: germline.

Color Diagnostics, LLC DBA Color Health
Classification: Uncertain significance for Cardiomyopathy. Last evaluated: 2025-08-30. Review status: criteria provided, single submitter. Criteria: ACMG Guidelines, 2015. Collection method: clinical testing. Allele origin: germline.
Comment: This missense variant replaces aspartic acid with glutamic acid at codon 2077 of the RYR2 protein. Computational prediction suggests that this variant may have deleterious impact on protein structure and function. To our knowledge, functional studies have not been reported for this variant. This variant has not been reported in individuals affected with RYR2-related disorders in the literature. This variant has not been identified in the general population by the Genome Aggregation Database (gnomAD). The available evidence is insufficient to determine the role of this variant in disease conclusively. Therefore, this variant is classified as a Variant of Uncertain Significance.

Blueprint Genetics
Classification: Uncertain significance. Last evaluated: 2023-09-29. Review status: criteria provided, single submitter. Criteria: ACMG Guidelines, 2015. Collection method: clinical testing. Allele origin: germline.

Labcorp Genetics (formerly Invitae), Labcorp
Classification: Uncertain significance for Catecholaminergic polymorphic ventricular tachycardia 1. Last evaluated: 2022-04-12. Review status: criteria provided, single submitter. Criteria: Invitae Variant Classification Sherloc (09022015). Collection method: clinical testing. Allele origin: germline.
Comment: This sequence change replaces aspartic acid, which is acidic and polar, with glutamic acid, which is acidic and polar, at codon 2077 of the RYR2 protein (p.Asp2077Glu). This variant is not present in population databases (gnomAD no frequency). This variant has not been reported in the literature in individuals affected with RYR2-related conditions. Advanced modeling of protein sequence and biophysical properties (such as structural, functional, and spatial information, amino acid conservation, physicochemical variation, residue mobility, and thermodynamic stability) performed at Invitae indicates that this missense variant is expected to disrupt RYR2 protein function. In summary, the available evidence is currently insufficient to determine the role of this variant in disease. Therefore, it has been classified as a Variant of Uncertain Significance.

NM_001035.3(RYR2):c.6231C>A (p.Asp2077Glu)

Gene: RYR2 (ryanodine receptor 2; plus strand). Cytogenetic location: 1q43.
Variant type: single nucleotide variant.
Coding change: c.6231C>A on transcript NM_001035.3 (MANE Select); coding-DNA position 6231, C replaced by A.
Protein change: p.Asp2077Glu; replaces aspartic acid 2077 with glutamic acid.
Molecular consequence: missense variant.
Genome position (GRCh38, 1-based): chr1:237,627,871, C>A. VCF-style: chr1-237627871-C-A. GRCh37 (hg19) VCF-style: chr1-237791171-C-A.
Other names: c.6231C>A (NM_001035.2); short protein forms D2077E.
Identifiers: ClinVar variation 1404639 (VCV001404639.10), dbSNP rs1407541809, ClinGen allele CA345410600.
Genomic context (GRCh38, chr1:237,627,871, plus strand): 5'-TCTGCAGCAGCTGATTTCTGAGACCATGGTCCGATGGGCTCAGGAGTCTGTCATTGAAGA[C>A]CCCGAGCTGGTGAGGGCCATGTTTGTGTTGCTCCATCGGCAGTATGACGGCATTGGGGGT-3'
Protein context (NP_001026.2, residues 2067-2087): VRWAQESVIE[Asp2077Glu]PELVRAMFVL